The following is an entry in ClinVar:

ClinVar aggregate classification (germline): Uncertain significance (1 of 4 stars; one submission).

gnomAD v4.1: 3 of 1,595,946 alleles (0.00019%); highest among the groups gnomAD compares: Non-Finnish European, 0.00017%; no homozygotes.

Submission:

Labcorp Genetics (formerly Invitae), Labcorp
Classification: Uncertain significance. Last evaluated: 2024-02-24. Review status: criteria provided, single submitter. Criteria: Invitae Variant Classification Sherloc (09022015). Collection method: clinical testing. Allele origin: germline.
Comment: This sequence change replaces proline, which is neutral and non-polar, with leucine, which is neutral and non-polar, at codon 720 of the SZT2 protein (p.Pro720Leu). This variant is not present in population databases (gnomAD no frequency). This variant has not been reported in the literature in individuals affected with SZT2-related conditions. ClinVar contains an entry for this variant (Variation ID: 1017125). Advanced modeling of protein sequence and biophysical properties (such as structural, functional, and spatial information, amino acid conservation, physicochemical variation, residue mobility, and thermodynamic stability) has been performed at Invitae for this missense variant, however the output from this modeling did not meet the statistical confidence thresholds required to predict the impact of this variant on SZT2 protein function. In summary, the available evidence is currently insufficient to determine the role of this variant in disease. Therefore, it has been classified as a Variant of Uncertain Significance.

NM_001365999.1(SZT2):c.2159C>T (p.Pro720Leu)

Gene: SZT2 (SZT2 subunit of KICSTOR complex; plus strand). Cytogenetic location: 1p34.2.
Variant type: single nucleotide variant.
Coding change: c.2159C>T on transcript NM_001365999.1 (MANE Select); coding-DNA position 2159, C replaced by T.
Protein change: p.Pro720Leu; replaces proline 720 with leucine.
Molecular consequence: missense variant.
Genome position (GRCh38, 1-based): chr1:43,423,220, C>T. VCF-style: chr1-43423220-C-T. GRCh37 (hg19) VCF-style: chr1-43888891-C-T.
Other names: c.2159C>T, p.Pro720Leu (NM_015284.4); short protein forms P720L.
Identifiers: ClinVar variation 1017125 (VCV001017125.8), dbSNP rs1652634950, ClinGen allele CA340011249.